The following is an entry in ClinVar:

NM_021926.4(ALX4):c.730C>T (p.Arg244Trp)

Gene: ALX4 (ALX homeobox 4; minus strand). Cytogenetic location: 11p11.2.
Variant type: single nucleotide variant.
Coding change: c.730C>T on transcript NM_021926.4 (MANE Select); coding-DNA position 730, C replaced by T.
Protein change: p.Arg244Trp; replaces arginine 244 with tryptophan.
Molecular consequence: missense variant.
Genome position (GRCh38, 1-based): chr11:44,275,395, G>A on the plus strand (C>T on the coding strand, the complement: ALX4 is on the minus strand). VCF-style: chr11-44275395-G-A. GRCh37 (hg19) VCF-style: chr11-44296945-G-A.
Other names: c.730C>T (NM_021926.3); short protein forms R244W.
Identifiers: ClinVar variation 2137063 (VCV002137063.7), dbSNP rs1167159867, ClinGen allele CA380182227.

ClinVar aggregate classification (germline): Conflicting classifications of pathogenicity. Review status: criteria provided, conflicting classifications (1 of 4 stars). 3 submissions from 3 submitters: Pathogenic (1); Likely pathogenic (1); Uncertain significance (1). Last evaluated 2025-04-28.

Conditions:
ALX4-related disorder. Also called: ALX4-related condition.

Allele frequency attached by ClinVar (database versions not stated): gnomAD 0.00001; TOPMed 0.00001.
gnomAD v4.1: 10 of 1,614,082 alleles (0.00062%); highest among the groups gnomAD compares: Admixed American, 0.0033%; no homozygotes.

Submissions (3):

GeneDx
Classification: Uncertain significance. Last evaluated: 2025-04-28. Review status: criteria provided, single submitter. Criteria: GeneDx Variant Classification Process June 2021. Collection method: clinical testing. Allele origin: germline.
Comment: In silico analysis supports that this missense variant has a deleterious effect on protein structure/function; This variant is associated with the following publications: (PMID: 27080046, 29681084, 27535533, 20586040)

Blueprint Genetics
Classification: Likely pathogenic for ALX4-related disorders. Last evaluated: 2023-11-10. Review status: criteria provided, single submitter. Criteria: ACMG Guidelines, 2015. Collection method: clinical testing. Allele origin: germline. Affected: yes. Observed: 2 variant alleles.

Labcorp Genetics (formerly Invitae), Labcorp
Classification: Pathogenic. Last evaluated: 2023-06-14. Review status: criteria provided, single submitter. Criteria: Invitae Variant Classification Sherloc (09022015). Collection method: clinical testing. Allele origin: germline.
Comment: For these reasons, this variant has been classified as Pathogenic. An algorithm developed to predict the effect of missense changes on protein structure and function (PolyPhen-2) suggests that this variant is likely to be disruptive. ClinVar contains an entry for this variant (Variation ID: 2137063). This missense change has been observed in individual(s) with parietal foramina (PMID: 27080046). It has also been observed to segregate with disease in related individuals. This variant is present in population databases (no rsID available, gnomAD 0.002%). This sequence change replaces arginine, which is basic and polar, with tryptophan, which is neutral and slightly polar, at codon 244 of the ALX4 protein (p.Arg244Trp).

Literature cited by the submitters: PubMed 27080046 (cited by Labcorp Genetics (formerly Invitae), Labcorp).